The following is an entry in ClinVar:

ClinVar aggregate classification (germline): Uncertain significance (1 of 4 stars; one submission).

Conditions:
Walker-Warburg congenital muscular dystrophy. Also called: Muscular dystrophy-dystroglycanopathy, type A; Walker-Warburg syndrome. Identifiers: Orphanet 899, MedGen C0265221, MONDO:0000171.

Submission:

Labcorp Genetics (formerly Invitae), Labcorp
Classification: Uncertain significance for Walker-Warburg congenital muscular dystrophy. Last evaluated: 2024-02-17. Review status: criteria provided, single submitter. Criteria: Invitae Variant Classification Sherloc (09022015). Collection method: clinical testing. Allele origin: germline.
Comment: This sequence change falls in intron 7 of the FKTN gene. It does not directly change the encoded amino acid sequence of the FKTN protein. It affects a nucleotide within the consensus splice site. This variant is not present in population databases (gnomAD no frequency). This variant has not been reported in the literature in individuals affected with FKTN-related conditions. ClinVar contains an entry for this variant (Variation ID: 1518995). Variants that disrupt the consensus splice site are a relatively common cause of aberrant splicing (PMID: 17576681, 9536098). Algorithms developed to predict the effect of sequence changes on RNA splicing suggest that this variant is not likely to affect RNA splicing. In summary, the available evidence is currently insufficient to determine the role of this variant in disease. Therefore, it has been classified as a Variant of Uncertain Significance.

Literature cited by the submitters: PubMed 17576681; PubMed 9536098.

NM_001079802.2(FKTN):c.781-3T>A

Gene: FKTN (fukutin; plus strand). Cytogenetic location: 9q31.2.
Variant type: single nucleotide variant.
Coding change: c.781-3T>A on transcript NM_001079802.2 (MANE Select); 3 bases into the intron before coding-DNA position 781, T replaced by A.
Molecular consequence: intron variant.
Genome position (GRCh38, 1-based): chr9:105,615,275, T>A. VCF-style: chr9-105615275-T-A. GRCh37 (hg19) VCF-style: chr9-108377556-T-A.
Other names: c.781-3T>A (NM_006731.2, NM_001351496.2, NM_001198963.2 and 1 more transcripts); c.385-3T>A (NM_001351502.2, NM_001351499.2, NM_001351500.2 and 1 more transcripts); c.712-3T>A (NM_001351497.2).
Identifiers: ClinVar variation 1518995 (VCV001518995.5), dbSNP rs2133098515, ClinGen allele CA2573143718.